The following is an entry in ClinVar:

ClinVar aggregate classification (germline): Uncertain significance (1 of 4 stars; one submission).

Submission:

Ambry Genetics
Classification: Uncertain significance. Last evaluated: 2025-02-24. Review status: criteria provided, single submitter. Criteria: Ambry Variant Classification Scheme 2023. Collection method: clinical testing. Allele origin: germline.
Comment: The p.P716A variant (also known as c.2146C>G), located in coding exon 9 of the WNK2 gene, results from a C to G substitution at nucleotide position 2146. The proline at codon 716 is replaced by alanine, an amino acid with highly similar properties. This amino acid position is conserved. In addition, this alteration is predicted to be tolerated by in silico analysis. Based on the available evidence, the clinical significance of this variant remains unclear.

NM_006648.4(WNK2):c.2146C>G (p.Pro716Ala)

Gene: WNK2 (WNK lysine deficient protein kinase 2; plus strand). Cytogenetic location: 9q22.31.
Variant type: single nucleotide variant.
Coding change: c.2146C>G on transcript NM_006648.4 (MANE Select); coding-DNA position 2146, C replaced by G.
Protein change: p.Pro716Ala; replaces proline 716 with alanine.
Molecular consequence: missense variant.
Genome position (GRCh38, 1-based): chr9:93,256,410, C>G. VCF-style: chr9-93256410-C-G. GRCh37 (hg19) VCF-style: chr9-96018692-C-G.
Other names: c.2146C>G, p.Pro716Ala (NM_001282394.3); short protein forms P716A.
Identifiers: ClinVar variation 3817150 (VCV003817150.1).